The following is an entry in ClinVar:

ClinVar aggregate classification (germline): Uncertain significance (1 of 4 stars; one submission).

Conditions:
Primary dilated cardiomyopathy (DCM). Also called: Dilated Cardiomyopathy. Identifiers: Orphanet 217604, MedGen C0007193, MeSH D002311, MONDO:0005021, HP:0001644. Inheritance: Various modes of inheritance.

Allele frequency attached by ClinVar (database versions not stated): gnomAD 0.00001; TOPMed 0.00002.
gnomAD v4.1: 2 of 1,614,060 alleles (0.00012%); highest among the groups gnomAD compares: Non-Finnish European, 0.000085%; no homozygotes.

Submission:

Labcorp Genetics (formerly Invitae), Labcorp
Classification: Uncertain significance for Primary dilated cardiomyopathy. Last evaluated: 2022-07-06. Review status: criteria provided, single submitter. Criteria: Invitae Variant Classification Sherloc (09022015). Collection method: clinical testing. Allele origin: germline.
Comment: In summary, the available evidence is currently insufficient to determine the role of this variant in disease. Therefore, it has been classified as a Variant of Uncertain Significance. This sequence change replaces cysteine, which is neutral and slightly polar, with arginine, which is basic and polar, at codon 254 of the FHL2 protein (p.Cys254Arg). This variant is present in population databases (no rsID available, gnomAD 0.0009%). This variant has not been reported in the literature in individuals affected with FHL2-related conditions. Algorithms developed to predict the effect of missense changes on protein structure and function are either unavailable or do not agree on the potential impact of this missense change (SIFT: "Deleterious"; PolyPhen-2: "Probably Damaging"; Align-GVGD: "Class C0").

NM_001318895.3(FHL2):c.760T>C (p.Cys254Arg)

Genes: C2orf49 (chromosome 2 open reading frame 49; plus strand), FHL2 (four and a half LIM domains 2; minus strand). Cytogenetic location: 2q12.2.
Variant type: single nucleotide variant.
Coding change: c.760T>C on transcript NM_001318895.3 (MANE Select); coding-DNA position 760, T replaced by C.
Protein change: p.Cys254Arg; replaces cysteine 254 with arginine.
Molecular consequence: missense variant.
Genome position (GRCh38, 1-based): chr2:105,361,363, A>G on the plus strand (T>C on the coding strand, the complement: FHL2 is on the minus strand). VCF-style: chr2-105361363-A-G. GRCh37 (hg19) VCF-style: chr2-105977820-A-G.
Other names: c.760T>C, p.Cys254Arg (NM_001039492.3, NM_001318894.1, NM_001318896.2 and 4 more transcripts); c.418T>C, p.Cys140Arg (NM_001318897.2, NM_001318898.2); c.436T>C, p.Cys146Arg (NM_001318899.2); short protein forms C146R, C140R, C254R.
Identifiers: ClinVar variation 1985709 (VCV001985709.4), dbSNP rs750884671, ClinGen allele CA53347732.
Genomic context (GRCh38, chr2:105,361,363, plus strand): 5'-CGGGGCACAGGATGTCGTCCCTCTCTGTGAGGAAGCCACGCCCCACCAGTGAGAGGGAGC[A>G]CTTCTTACAGTTAAAGCAGTCGTTATGCCACTGCCGTTCCTCAAAGGAGATGTATTTTGT-3'
Protein context (NP_001305824.1, residues 244-264): WHNDCFNCKK[Cys254Arg]SLSLVGRGFL